The following is an entry in ClinVar:

ClinVar aggregate classification (germline): Uncertain significance (1 of 4 stars; one submission).

Conditions:
Inborn genetic diseases. Identifiers: MedGen C0950123, MeSH D030342.

Submission:

Ambry Genetics
Classification: Uncertain significance for Inborn genetic diseases. Last evaluated: 2026-07-26. Review status: criteria provided, single submitter. Criteria: Ambry Variant Classification Scheme 2023. Collection method: clinical testing. Allele origin: germline.
Comment: The p.H1000Q variant (also known as c.3000T>G), located in coding exon 13 of the MECOM gene, results from a T to G substitution at nucleotide position 3000. The histidine at codon 1000 is replaced by glutamine, an amino acid with highly similar properties. This amino acid position is conserved. In addition, the in silico prediction for this alteration is inconclusive. Based on the available evidence, the clinical significance of this variant remains unclear.

NM_004991.4(MECOM):c.3000T>G (p.His1000Gln)

Gene: MECOM (MDS1 and EVI1 complex locus; minus strand). Cytogenetic location: 3q26.2.
Variant type: single nucleotide variant.
Coding change: c.3000T>G on transcript NM_004991.4 (MANE Select); coding-DNA position 3000, T replaced by G.
Protein change: p.His1000Gln; replaces histidine 1000 with glutamine.
Molecular consequence: missense variant.
Genome position (GRCh38, 1-based): chr3:169,095,095, A>C on the plus strand (T>G on the coding strand, the complement: MECOM is on the minus strand). VCF-style: chr3-169095095-A-C. GRCh37 (hg19) VCF-style: chr3-168812883-A-C.
Other names: c.2973T>G, p.His991Gln (NM_001366466.2); c.2439T>G, p.His813Gln (NM_001366467.2, NM_001366468.2); c.2436T>G, p.His812Gln (NM_001366469.2, NM_005241.4, NM_001105078.4 and 1 more transcripts); c.2412T>G, p.His804Gln (NM_001366470.2, NM_001163999.2); c.2409T>G, p.His803Gln (NM_001366471.2, NM_001366472.2, NM_001164000.2); c.2001T>G, p.His667Gln (NM_001366473.2); c.1437T>G, p.His479Gln (NM_001366474.2); c.2631T>G, p.His877Gln (NM_001105077.4); short protein forms H479Q, H667Q, H804Q, H1000Q, H803Q, H877Q, H812Q, H813Q.
Identifiers: ClinVar variation 5024157 (VCV005024157.1).
Genomic context (GRCh38, chr3:169,095,095, plus strand): 5'-AAAGAAGTCATCTTTGACTTATAACACAATTTATTACGTACCGGACATGTTCCCATTCTC[A>C]TGTTTCTTTAGGTGTCTGTCTAAATTGGTTTGTTGACCAAAACACCTATCACATAAGTGA-3'
Protein context (NP_004982.2, residues 990-1010): QTNLDRHLKK[His1000Gln]ENGNMSGTAT